The following is an entry in ClinVar:

NC_000020.10:g.(?_13765715)_(14308152_?)del

Genes: SEL1L2 (SEL1L2 adaptor subunit of SYVN1 ubiquitin ligase; minus strand), FLRT3 (fibronectin leucine rich transmembrane protein 3; minus strand), MACROD2 (mono-ADP ribosylhydrolase 2; plus strand), NDUFAF5 (NADH:ubiquinone oxidoreductase complex assembly factor 5; plus strand). Cytogenetic location: 20p12.1.
Variant type: Deletion.
Identifiers: ClinVar variation 2426810 (VCV002426810.3).

ClinVar aggregate classification (germline): Pathogenic (1 of 4 stars; one submission).

Submission:

Labcorp Genetics (formerly Invitae), Labcorp
Classification: Pathogenic. Last evaluated: 2022-02-27. Review status: criteria provided, single submitter. Criteria: Invitae Variant Classification Sherloc (09022015). Collection method: clinical testing. Allele origin: germline.
Comment: A gross deletion of the genomic region encompassing the full coding sequence of the NDUFAF5 gene has been identified. Loss-of-function variants in NDUFAF5 are known to be pathogenic (PMID: 26275793, 30473481, 32918965). The boundaries of this event are unknown as they extend beyond the assayed region for this gene and therefore may encompass additional genes. This variant has not been reported in the literature in individuals affected with NDUFAF5-related conditions. For these reasons, this variant has been classified as Pathogenic.

Literature cited by the submitters: PubMed 26275793; PubMed 30473481; PubMed 32918965.